The following is an entry in ClinVar:

NM_001048174.2(MUTYH):c.563G>T (p.Gly188Val)

Gene: MUTYH (mutY DNA glycosylase; minus strand). Cytogenetic location: 1p34.1.
Variant type: single nucleotide variant.
Coding change: c.563G>T on transcript NM_001048174.2 (MANE Select); coding-DNA position 563, G replaced by T.
Protein change: p.Gly188Val; replaces glycine 188 with valine.
Molecular consequence: missense variant. On other transcripts: non-coding transcript variant (7).
Genome position (GRCh38, 1-based): chr1:45,332,617, C>A on the plus strand (G>T on the coding strand, the complement: MUTYH is on the minus strand). VCF-style: chr1-45332617-C-A. GRCh37 (hg19) VCF-style: chr1-45798289-C-A.
Other names: c.563G>T, p.Gly188Val (NM_001048171.2, NM_001048173.2, NM_001293195.2 and 6 more transcripts); c.566G>T, p.Gly189Val (NM_001048172.2, NM_001407071.1, NM_001407078.1 and 1 more transcripts); c.647G>T, p.Gly216Val (NM_001128425.2); c.608G>T, p.Gly203Val (NM_001293190.2); c.596G>T, p.Gly199Val (NM_001293191.2, NM_001407069.1, NM_001407077.1); c.287G>T, p.Gly96Val (NM_001293192.2, NM_001293196.2, NM_001407091.1); c.218G>T, p.Gly73Val (NM_001350650.2, NM_001350651.2, NM_001407082.1); c.479G>T, p.Gly160Val (NM_001407075.1); and 5 more; short protein forms G160V, G188V, G189V, G216V, G73V, G174V, G175V, G195V.
Identifiers: ClinVar variation 3572203 (VCV003572203.2).

ClinVar aggregate classification (germline): Conflicting classifications of pathogenicity. Review status: criteria provided, conflicting classifications (1 of 4 stars). 2 submissions from 2 submitters: Pathogenic (1); Uncertain significance (1). Last evaluated 2025-11-05.

Conditions:
Hereditary cancer-predisposing syndrome. Also called: Hereditary Cancer Syndrome; Hereditary neoplastic syndrome; Tumor predisposition; Neoplastic Syndromes, Hereditary. Identifiers: Orphanet 140162, MedGen C0027672, MeSH D009386, MONDO:0015356.

Submissions (2):

Ambry Genetics
Classification: Pathogenic for Hereditary cancer-predisposing syndrome. Last evaluated: 2025-11-05. Review status: criteria provided, single submitter. Criteria: Ambry Variant Classification Scheme 2023. Collection method: clinical testing. Allele origin: germline.
Comment: The p.G216V pathogenic mutation (also known as c.647G>T), located in coding exon 8 of the MUTYH gene, results from a G to T substitution at nucleotide position 647. The glycine at codon 216 is replaced by valine, an amino acid with dissimilar properties. In a massively parallel cell-based functional assay testing 7,8-dihydro-8-oxoguanine:adenine (8OG:A) repair activity, a byproduct of oxidative damage, this variant was reported to be non-functional (Hemker SL et al. Am J Hum Genet. 2025 Sep;112(9):2010-2026). Another variant at the same codon, p.G216E (c.647G>A), has been identified in individuals with features consistent with MUTYH-associated polyposis when observed in trans with another disease-causing variant in MUTYH (Morak M et al. Clin Genet, 2010 Oct;78:353-63; Vogt S et al. Gastroenterology. 2009 Dec;137(6):1976-85.e1-10). This amino acid position is highly conserved in available vertebrate species. In addition, this alteration is predicted to be deleterious by in silico analysis. This variant is considered to be rare based on population cohorts in the Genome Aggregation Database (gnomAD). Based on the supporting evidence, this variant is interpreted as a disease-causing mutation.

Quest Diagnostics Nichols Institute San Juan Capistrano
Classification: Uncertain significance. Last evaluated: 2024-05-08. Review status: criteria provided, single submitter. Criteria: Quest Diagnostics criteria. Collection method: clinical testing. Allele origin: unknown.
Comment: The MUTYH c.647G>T (p.Gly216Val) variant has not been reported in individuals with MUTYH-related conditions in the published literature. It also has not been reported in large, multi-ethnic general populations (Genome Aggregation Database). Analysis of this variant using bioinformatics tools for the prediction of the effect of amino acid changes on protein structure and function yielded predictions that this variant is damaging. Based on the available information, we are unable to determine the clinical significance of this variant.